The following is an entry in ClinVar:

ClinVar aggregate classification (germline): Benign/Likely benign. Review status: criteria provided, multiple submitters, no conflicts (2 of 4 stars). 3 submissions from 3 submitters: Benign (2); Likely benign (1). Last evaluated 2023-03-01.

Allele frequency attached by ClinVar (database versions not stated): 1000 Genomes Project 30x 0.00094; 1000 Genomes Project 0.00100; ESP Exome Variant Server 0.00239; gnomAD 0.00252 and 0.00261; TOPMed 0.00261; gnomAD exomes 0.00262; ExAC 0.00271.

Submissions (3):

CeGaT Center for Human Genetics Tuebingen
Classification: Likely benign. Last evaluated: 2023-03-01. Review status: criteria provided, single submitter. Criteria: CeGaT Center For Human Genetics Tuebingen Variant Classification Criteria Version 2. Collection method: clinical testing. Allele origin: germline. Affected: yes. Observed: 1 variant allele.
Comment: DGCR6L: BP4, BP7

Labcorp Genetics (formerly Invitae), Labcorp
Classification: Benign. Last evaluated: 2018-08-13. Review status: criteria provided, single submitter. Criteria: Invitae Variant Classification Sherloc (09022015). Collection method: clinical testing. Allele origin: germline.

Breakthrough Genomics
Classification: Benign. Review status: criteria provided, single submitter. Criteria: ACMG Guidelines, 2015. Collection method: not provided. Allele origin: germline. Inheritance: Unknown mechanism. Affected: yes.

NM_033257.4(DGCR6L):c.216C>T (p.His72=)

Genes: DGCR6L (DiGeorge syndrome critical region gene 6 like; minus strand), LOC125424388 (Sharpr-MPRA regulatory region 9836; plus strand). Cytogenetic location: 22q11.21.
Variant type: single nucleotide variant.
Coding change: c.216C>T on transcript NM_033257.4 (MANE Select); coding-DNA position 216, C replaced by T.
Protein change: p.His72=; no amino-acid change (histidine 72 retained).
Molecular consequence: synonymous variant.
Genome position (GRCh38, 1-based): chr22:20,319,694, G>A on the plus strand (C>T on the coding strand, the complement: DGCR6L is on the minus strand). VCF-style: chr22-20319694-G-A. GRCh37 (hg19) VCF-style: chr22-20307217-G-A.
Identifiers: ClinVar variation 710255 (VCV000710255.28), dbSNP rs1210827, ClinGen allele CA10109974.